The following is an entry in ClinVar:

ClinVar aggregate classification (germline): Likely benign (1 of 4 stars; one submission).

Conditions:
CELSR1-related disorder. Also called: CELSR1-related condition.

gnomAD v4.1: 51 of 1,105,794 alleles (0.0046%); highest among the groups gnomAD compares: Non-Finnish European, 0.0054%; no homozygotes.

Submission:

PreventionGenetics, part of Exact Sciences
Classification: Likely benign for CELSR1-related condition. Last evaluated: 2025-10-07. Review status: criteria provided, single submitter. Criteria: ACMG Guidelines, 2015. Collection method: clinical testing. Allele origin: germline.
Comment: This variant is classified as likely benign based on ACMG/AMP sequence variant interpretation guidelines (Richards et al. 2015 PMID: 25741868, with internal and published modifications).

NM_001378328.1(CELSR1):c.153G>A (p.Ala51=)

Gene: CELSR1 (cadherin EGF LAG seven-pass G-type receptor 1; minus strand). Cytogenetic location: 22q13.31.
Variant type: single nucleotide variant.
Coding change: c.153G>A on transcript NM_001378328.1 (MANE Select); coding-DNA position 153, G replaced by A.
Protein change: p.Ala51=; no amino-acid change (alanine 51 retained).
Molecular consequence: synonymous variant.
Genome position (GRCh38, 1-based): chr22:46,537,018, C>T on the plus strand (G>A on the coding strand, the complement: CELSR1 is on the minus strand). VCF-style: chr22-46537018-C-T. GRCh37 (hg19) VCF-style: chr22-46932915-C-T.
Other names: c.153G>A, p.Ala51= (NM_014246.4).
Identifiers: ClinVar variation 4989217 (VCV004989217.1).